The following is an entry in ClinVar:

NM_016169.4(SUFU):c.247A>G (p.Asn83Asp)

Gene: SUFU (SUFU negative regulator of hedgehog signaling; plus strand). Cytogenetic location: 10q24.32.
Variant type: single nucleotide variant.
Coding change: c.247A>G on transcript NM_016169.4 (MANE Select); coding-DNA position 247, A replaced by G.
Protein change: p.Asn83Asp; replaces asparagine 83 with aspartic acid.
Molecular consequence: missense variant.
Genome position (GRCh38, 1-based): chr10:102,509,233, A>G. VCF-style: chr10-102509233-A-G. GRCh37 (hg19) VCF-style: chr10-104268990-A-G.
Other names: c.247A>G, p.Asn83Asp (NM_001178133.2); short protein forms N83D.
Identifiers: ClinVar variation 1374912 (VCV001374912.12), dbSNP rs2135620366, ClinGen allele CA377888679.
Genomic context (GRCh38, chr10:102,509,233, plus strand): 5'-GGTGGCCCAGACCCCTTGGACTATGTTAGCATGTACAGGAATGTGGGGAGCCCTTCTGCT[A>G]ACATCCCCGAGCACTGGCACTACATCAGCTTCGGCCTGAGTGATCTCTATGGTGACAACA-3'
Protein context (NP_057253.2, residues 73-93): MYRNVGSPSA[Asn83Asp]IPEHWHYISF

ClinVar aggregate classification (germline): Conflicting classifications of pathogenicity. Review status: criteria provided, conflicting classifications (1 of 4 stars). 3 submissions from 3 submitters: Uncertain significance (2); Likely benign (1). Last evaluated 2024-03-18.

Conditions:
Gorlin syndrome. Also called: Basal cell nevus syndrome; Nevoid Basal Cell Carcinoma Syndrome. Identifiers: Orphanet 377, MedGen C0004779, MONDO:0007187.
Medulloblastoma (MDB). Also called: MEDULLOBLASTOMA PREDISPOSITION SYNDROME; Medulloblastoma, somatic. Identifiers: Orphanet 616, MedGen C0025149, MeSH D008527, MONDO:0007959, OMIM 155255, HP:0002885.
Hereditary cancer-predisposing syndrome. Also called: Hereditary neoplastic syndrome; Hereditary Cancer Syndrome; Neoplastic Syndromes, Hereditary; Tumor predisposition. Identifiers: Orphanet 140162, MedGen C0027672, MeSH D009386, MONDO:0015356.
Familial meningioma. Also called: Meningioma, familial, susceptibility to. Identifiers: Orphanet 263662, MedGen C3551915, MONDO:0011789, OMIM 607174.

Submissions (3):

Ambry Genetics
Classification: Likely benign for Hereditary cancer-predisposing syndrome. Last evaluated: 2024-03-18. Review status: criteria provided, single submitter. Criteria: Ambry Variant Classification Scheme 2023. Collection method: clinical testing. Allele origin: germline.

Baylor Genetics
Classification: Uncertain significance for Familial meningioma. Last evaluated: 2024-02-14. Review status: criteria provided, single submitter. Criteria: ACMG Guidelines, 2015. Collection method: clinical testing. Allele origin: unknown.

Labcorp Genetics (formerly Invitae), Labcorp
Classification: Uncertain significance for Gorlin syndrome; Medulloblastoma. Last evaluated: 2023-05-23. Review status: criteria provided, single submitter. Criteria: Invitae Variant Classification Sherloc (09022015). Collection method: clinical testing. Allele origin: germline.
Comment: This variant is not present in population databases (gnomAD no frequency). This sequence change replaces asparagine, which is neutral and polar, with aspartic acid, which is acidic and polar, at codon 83 of the SUFU protein (p.Asn83Asp). This variant has not been reported in the literature in individuals affected with SUFU-related conditions. ClinVar contains an entry for this variant (Variation ID: 1374912). Advanced modeling of protein sequence and biophysical properties (such as structural, functional, and spatial information, amino acid conservation, physicochemical variation, residue mobility, and thermodynamic stability) performed at Invitae indicates that this missense variant is not expected to disrupt SUFU protein function. In summary, the available evidence is currently insufficient to determine the role of this variant in disease. Therefore, it has been classified as a Variant of Uncertain Significance.